The following is an entry in ClinVar:

NM_001042492.3(NF1):c.2233A>G (p.Ser745Gly)

Gene: NF1 (neurofibromin 1; plus strand). Cytogenetic location: 17q11.2.
Variant type: single nucleotide variant.
Coding change: c.2233A>G on transcript NM_001042492.3 (MANE Select); coding-DNA position 2233, A replaced by G.
Protein change: p.Ser745Gly; replaces serine 745 with glycine.
Molecular consequence: missense variant.
Genome position (GRCh38, 1-based): chr17:31,226,666, A>G. VCF-style: chr17-31226666-A-G. GRCh37 (hg19) VCF-style: chr17-29553684-A-G.
Other names: c.2233A>G, p.Ser745Gly (NM_000267.4); short protein forms S745G.
Identifiers: ClinVar variation 185011 (VCV000185011.13), dbSNP rs786201865, ClinGen allele CA190772.

ClinVar aggregate classification (germline): Conflicting classifications of pathogenicity. Review status: criteria provided, conflicting classifications (1 of 4 stars). 5 submissions from 4 submitters: Uncertain significance (4); Likely benign (1). Last evaluated 2026-01-12.

Conditions:
Cardiovascular phenotype. Identifiers: MedGen CN230736.
Hereditary cancer-predisposing syndrome. Also called: Tumor predisposition; Hereditary Cancer Syndrome; Hereditary neoplastic syndrome; Neoplastic Syndromes, Hereditary. Identifiers: Orphanet 140162, MedGen C0027672, MeSH D009386, MONDO:0015356.
Juvenile myelomonocytic leukemia (JMML). Also called: LEUKEMIA, JUVENILE MYELOMONOCYTIC, SOMATIC. Identifiers: Orphanet 86834, MedGen C0349639, MONDO:0011908, OMIM 607785, HP:0012209.
Neurofibromatosis, type 1 (NF1). Also called: VON RECKLINGHAUSEN DISEASE; NEUROFIBROMATOSIS, TYPE I, SOMATIC; Peripheral type neurofibromatosis; Neurofibromatosis, type I. Identifiers: Orphanet 636, MedGen C0027831, MONDO:0018975, OMIM 162200. Disease mechanism: loss of function.

Submissions (5):

Labcorp Genetics (formerly Invitae), Labcorp
Classification: Likely benign for Neurofibromatosis, type 1. Last evaluated: 2026-01-12. Review status: criteria provided, single submitter. Criteria: Invitae Variant Classification Sherloc (09022015). Collection method: clinical testing. Allele origin: germline.

Baylor Genetics
Classification: Uncertain significance for Juvenile myelomonocytic leukemia. Last evaluated: 2023-05-26. Review status: criteria provided, single submitter. Criteria: ACMG Guidelines, 2015. Collection method: clinical testing. Allele origin: unknown.

Genome-Nilou Lab
Classification: Uncertain significance for Neurofibromatosis, type 1. Last evaluated: 2022-03-15. Review status: criteria provided, single submitter. Criteria: ACMG Guidelines, 2015. Collection method: clinical testing. Allele origin: germline. Affected: no.

Ambry Genetics
Classification: Uncertain significance for Cardiovascular phenotype; Hereditary cancer-predisposing syndrome. Last evaluated: 2021-08-02. Review status: criteria provided, single submitter. Criteria: Ambry Variant Classification Scheme 2023. Collection method: clinical testing. Allele origin: germline.

Ambry Genetics
Classification: Uncertain significance for Hereditary cancer-predisposing syndrome. Last evaluated: 2014-05-21. Review status: criteria provided, single submitter. Criteria: Ambry Autosomal Dominant and X-Linked criteria (10/2015). Collection method: clinical testing. Allele origin: germline. Observed: 1 variant allele.
Comment: The p.S745G variant (also known as c.2233A>G), located in coding exon 18 of the NF1 gene, results from an A to G substitution at nucleotide position 2233. The serine at codon 745 is replaced by glycine, an amino acid with similar properties. This variant was not reported in population based cohorts in the following databases: Database of Single Nucleotide Polymorphisms (dbSNP), NHLBI Exome Sequencing Project (ESP), and 1000 Genomes Project. To date, this alteration has been detected with an allele frequency of approximately 0.02% (greater than 5000 alleles tested) in our clinical cohort (includes this individual). This amino acid position is highly conserved in available vertebrate species. In addition, this alteration is predicted to be probably damaging and tolerated by PolyPhen and SIFT in silico analyses, respectively. Since supporting evidence is limited at this time, the clinical significance of p.S745G remains unclear.